The following is an entry in ClinVar:

ClinVar aggregate classification (germline): Conflicting classifications of pathogenicity. Review status: criteria provided, conflicting classifications (1 of 4 stars). 6 submissions from 6 submitters: Uncertain significance (3); Likely benign (3). Last evaluated 2025-12-23.

Conditions:
Frontotemporal dementia and/or amyotrophic lateral sclerosis 4. Also called: FTDALS4. Identifiers: Orphanet 275872, MedGen C4225325, MONDO:0014641, OMIM 616439.
TBK1-related disorder. Also called: TBK1-related condition.

Allele frequency attached by ClinVar (database versions not stated): ESP Exome Variant Server 0.00015; gnomAD 0.00015 and 0.00016; gnomAD exomes 0.00019 and 0.00027; TOPMed 0.00022; ExAC 0.00028.
gnomAD v4.1: 292 of 1,571,566 alleles (0.019%); highest among the groups gnomAD compares: Admixed American, 0.042%; 1 homozygote.

Submissions (6):

Labcorp Genetics (formerly Invitae), Labcorp
Classification: Uncertain significance for Frontotemporal dementia and/or amyotrophic lateral sclerosis 4. Last evaluated: 2025-12-23. Review status: criteria provided, single submitter. Criteria: Invitae Variant Classification Sherloc (09022015). Collection method: clinical testing. Allele origin: germline.
Comment: This sequence change replaces glutamic acid, which is acidic and polar, with glutamine, which is neutral and polar, at codon 653 of the TBK1 protein (p.Glu653Gln). This variant is present in population databases (rs144370662, gnomAD 0.09%), and has an allele count higher than expected for a pathogenic variant. This missense change has been observed in individual(s) with frontotemporal dementia (FTD) and amyotrophic lateral sclerosis (ALS) (PMID: 28008748). ClinVar contains an entry for this variant (Variation ID: 580527). An algorithm developed to predict the effect of missense changes on protein structure and function (PolyPhen-2) suggests that this variant is likely to be tolerated. In summary, the available evidence is currently insufficient to determine the role of this variant in disease. Therefore, it has been classified as a Variant of Uncertain Significance.

Women's Health and Genetics/Laboratory Corporation of America, LabCorp
Classification: Uncertain significance. Last evaluated: 2025-10-30. Review status: criteria provided, single submitter. Criteria: LabCorp Variant Classification Summary - May 2015. Collection method: clinical testing. Allele origin: germline.
Comment: Variant summary: TBK1 c.1957G>C (p.Glu653Gln) results in a conservative amino acid change in the encoded protein sequence. Algorithms developed to predict the effect of missense changes on protein structure and function are either unavailable or do not agree on the potential impact of this missense change. Consensus agreement among computation tools predict no significant impact on normal splicing. However, these predictions have yet to be confirmed by functional studies. The variant allele was found at a frequency of 0.00027 in 224686 control chromosomes. This frequency is not significantly higher than estimated for disease-causing variants in TBK1, allowing no conclusion about variant significance. c.1957G>C has been observed in individual(s) affected with frontotemporal dementia (FTD) and amyotrophic lateral sclerosis (ALS), as well as in the control subjects (vanderzee_2017). These report(s) do not provide unequivocal conclusions about association of the variant with Autoinflammation with arthritis and vasculitis. To our knowledge, no experimental evidence demonstrating an impact on protein function has been reported. The following publication has been ascertained in the context of this evaluation (PMID: 28008748). ClinVar contains an entry for this variant (Variation ID: 580527). Based on the evidence outlined above, the variant was classified as uncertain significance.

Mayo Clinic Laboratories, Mayo Clinic
Classification: Likely benign. Last evaluated: 2025-10-19. Review status: criteria provided, single submitter. Criteria: ACMG Guidelines, 2015. Collection method: clinical testing. Allele origin: germline. Observed: 1 variant allele.
Comment: BS2, BP4

Blueprint Genetics
Classification: Likely benign. Last evaluated: 2024-11-05. Review status: criteria provided, single submitter. Criteria: ACMG Guidelines, 2015. Collection method: clinical testing. Allele origin: germline.

PreventionGenetics, part of Exact Sciences
Classification: Likely benign for TBK1-related condition. Last evaluated: 2023-05-11. Review status: criteria provided, single submitter. Criteria: ACMG Guidelines, 2015. Collection method: clinical testing. Allele origin: germline.
Comment: This variant is classified as likely benign based on ACMG/AMP sequence variant interpretation guidelines (Richards et al. 2015 PMID: 25741868, with internal and published modifications).

Breakthrough Genomics
Classification: Uncertain significance. Review status: criteria provided, single submitter. Criteria: ACMG Guidelines, 2015. Collection method: not provided. Allele origin: germline. Inheritance: Autosomal dominant inheritance. Affected: yes.

Literature cited by the submitters: PubMed 28008748 (cited by 3 submitters); PubMed 25803835 (cited by Mayo Clinic Laboratories, Mayo Clinic); PubMed 28822984 (cited by Mayo Clinic Laboratories, Mayo Clinic); PubMed 29146049 (cited by Mayo Clinic Laboratories, Mayo Clinic); PubMed 31235738 (cited by Mayo Clinic Laboratories, Mayo Clinic); PubMed 36113750 (cited by Mayo Clinic Laboratories, Mayo Clinic).

NM_013254.4(TBK1):c.1957G>C (p.Glu653Gln)

Gene: TBK1 (TANK binding kinase 1; plus strand). Cytogenetic location: 12q14.2.
Variant type: single nucleotide variant.
Coding change: c.1957G>C on transcript NM_013254.4 (MANE Select); coding-DNA position 1957, G replaced by C.
Protein change: p.Glu653Gln; replaces glutamic acid 653 with glutamine.
Molecular consequence: missense variant.
Genome position (GRCh38, 1-based): chr12:64,497,257, G>C. VCF-style: chr12-64497257-G-C. GRCh37 (hg19) VCF-style: chr12-64891037-G-C.
Other names: p.Glu653Gln; c.1957G>C, p.Glu653Gln (LRG_1306t1); short protein forms E653Q.
Identifiers: ClinVar variation 580527 (VCV000580527.14), dbSNP rs144370662, ClinGen allele CA6669199.